The following is an entry in ClinVar:

NM_000875.5(IGF1R):c.1727A>C (p.Gln576Pro)

Gene: IGF1R (insulin like growth factor 1 receptor; plus strand). Cytogenetic location: 15q26.3.
Variant type: single nucleotide variant.
Coding change: c.1727A>C on transcript NM_000875.5 (MANE Select); coding-DNA position 1727, A replaced by C.
Protein change: p.Gln576Pro; replaces glutamine 576 with proline.
Molecular consequence: missense variant.
Genome position (GRCh38, 1-based): chr15:98,913,181, A>C. VCF-style: chr15-98913181-A-C. GRCh37 (hg19) VCF-style: chr15-99456410-A-C.
Other names: c.1727A>C, p.Gln576Pro (NM_001291858.2); short protein forms Q576P.
Identifiers: ClinVar variation 3665948 (VCV003665948.2).
Genomic context (GRCh38, chr15:98,913,181, plus strand): 5'-TCCCGCCCAACAAGGACGTGGAGCCCGGCATCTTACTACATGGGCTGAAGCCCTGGACTC[A>C]GTACGCCGTTTACGTCAAGGCTGTGACCCTCACCATGGTGGAGAACGACCATATCCGTGG-3'
Protein context (NP_000866.1, residues 566-586): ILLHGLKPWT[Gln576Pro]YAVYVKAVTL

ClinVar aggregate classification (germline): Uncertain significance (1 of 4 stars; one submission).

Submission:

Labcorp Genetics (formerly Invitae), Labcorp
Classification: Uncertain significance. Last evaluated: 2024-10-31. Review status: criteria provided, single submitter. Criteria: Invitae Variant Classification Sherloc (09022015). Collection method: clinical testing. Allele origin: germline.
Comment: This sequence change replaces glutamine, which is neutral and polar, with proline, which is neutral and non-polar, at codon 576 of the IGF1R protein (p.Gln576Pro). This variant is not present in population databases (gnomAD no frequency). This variant has not been reported in the literature in individuals affected with IGF1R-related conditions. Invitae Evidence Modeling of protein sequence and biophysical properties (such as structural, functional, and spatial information, amino acid conservation, physicochemical variation, residue mobility, and thermodynamic stability) has been performed for this missense variant. However, the output from this modeling did not meet the statistical confidence thresholds required to predict the impact of this variant on IGF1R protein function. In summary, the available evidence is currently insufficient to determine the role of this variant in disease. Therefore, it has been classified as a Variant of Uncertain Significance.